The following is an entry in ClinVar:

ClinVar aggregate classification (germline): Uncertain significance (1 of 4 stars; one submission).

Conditions:
Retinitis pigmentosa 39 (RP39). Identifiers: Orphanet 791, MedGen C3151138, MONDO:0013436, OMIM 613809.

Submission:

3billion
Classification: Uncertain significance for Retinitis pigmentosa 39. Last evaluated: 2024-12-31. Review status: criteria provided, single submitter. Criteria: ACMG Guidelines, 2015. Collection method: clinical testing. Allele origin: germline. Affected: yes.
Comment: The variant is not observed in the gnomAD v4.1.0 dataset. Predicted Consequence/Location: Missense variant. The majority of the known disease-causing variants of this gene are variants expected to result in premature termination of the protein. In silico tool predictions suggest damaging effect of the variant on gene or gene product [3Cnet: 0.67 (>=0.6, sensitivity 0.72 and precision 0.9)]. Therefore, this variant is classified as VUS according to the recommendation of ACMG/AMP guideline.

NM_206933.4(USH2A):c.4201A>C (p.Met1401Leu)

Genes: USH2A (usherin; minus strand), USH2A-AS1 (USH2A antisense RNA 1; plus strand). Cytogenetic location: 1q41.
Variant type: single nucleotide variant.
Coding change: c.4201A>C on transcript NM_206933.4 (MANE Select); coding-DNA position 4201, A replaced by C.
Protein change: p.Met1401Leu; replaces methionine 1401 with leucine.
Molecular consequence: missense variant.
Genome position (GRCh38, 1-based): chr1:216,196,603, T>G on the plus strand (A>C on the coding strand, the complement: USH2A is on the minus strand). VCF-style: chr1-216196603-T-G. GRCh37 (hg19) VCF-style: chr1-216369945-T-G.
Other names: c.4201A>C, p.Met1401Leu (NM_007123.6); short protein forms M1401L.
Identifiers: ClinVar variation 4293510 (VCV004293510.1).